The following is an entry in ClinVar:

ClinVar aggregate classification (germline): Likely benign (1 of 4 stars; one submission).

Submission:

GeneDx
Classification: Likely benign. Last evaluated: 2012-11-15. Review status: criteria provided, single submitter. Criteria: GeneDx Variant Classification (06012015). Collection method: clinical testing. Allele origin: germline. Affected: yes.
Comment: This variant is considered likely benign or benign based on one or more of the following criteria: it is a conservative change, it occurs at a poorly conserved position in the protein, it is predicted to be benign by multiple in silico algorithms, and/or has population frequency not consistent with disease.

NM_001267550.2(TTN):c.85238C>A (p.Thr28413Asn)

Genes: TTN-AS1 (TTN antisense RNA 1; plus strand), TTN (titin; minus strand). Cytogenetic location: 2q31.2.
Variant type: single nucleotide variant.
Coding change: c.85238C>A on transcript NM_001267550.2 (MANE Select); coding-DNA position 85238, C replaced by A.
Protein change: p.Thr28413Asn; replaces threonine 28413 with asparagine.
Molecular consequence: missense variant.
Genome position (GRCh38, 1-based): chr2:178,560,894, G>T on the plus strand (C>A on the coding strand, the complement: TTN is on the minus strand). VCF-style: chr2-178560894-G-T. GRCh37 (hg19) VCF-style: chr2-179425621-G-T.
Other names: p.T26772N:ACT>AAT; c.80315C>A, p.Thr26772Asn (NM_001256850.1); c.58043C>A, p.Thr19348Asn (NM_003319.4); c.77534C>A, p.Thr25845Asn (NM_133378.4); c.58418C>A, p.Thr19473Asn (NM_133432.3); c.58619C>A, p.Thr19540Asn (NM_133437.4); short protein forms T26772N, T28413N, T19473N, T19348N, T19540N, T25845N.
Identifiers: ClinVar variation 202333 (VCV000202333.3), dbSNP rs794729248, ClinGen allele CA309117.